The following is an entry in ClinVar:

NM_000443.4(ABCB4):c.3588C>T (p.Leu1196=)

Gene: ABCB4 (ATP binding cassette subfamily B member 4; minus strand). Cytogenetic location: 7q21.12.
Variant type: single nucleotide variant.
Coding change: c.3588C>T on transcript NM_000443.4 (MANE Select); coding-DNA position 3588, C replaced by T.
Protein change: p.Leu1196=; no amino-acid change (leucine 1196 retained).
Molecular consequence: synonymous variant.
Genome position (GRCh38, 1-based): chr7:87,403,180, G>A on the plus strand (C>T on the coding strand, the complement: ABCB4 is on the minus strand). VCF-style: chr7-87403180-G-A. GRCh37 (hg19) VCF-style: chr7-87032496-G-A.
Other names: c.3609C>T, p.Leu1203= (NM_018849.3); c.3447C>T, p.Leu1149= (NM_018850.3).
Identifiers: ClinVar variation 911979 (VCV000911979.9), dbSNP rs370310867, ClinGen allele CA4326733.
Genomic context (GRCh38, chr7:87,403,180, plus strand): 5'-GGAGGCCACACACACCTTTTCACTTTCAGTATCCAGAGCTGATGTAGCTTCATCCAACAG[G>A]AGGATTTGAGGTTGTCTGATGAGGGCTCGGGCAATAGCAATCCTCTGTTTTTGACCTCCT-3'
Protein context (NP_000434.1, residues 1186-1206): ARALIRQPQI[Leu1196=]LLDEATSALD

ClinVar aggregate classification (germline): Conflicting classifications of pathogenicity. Review status: criteria provided, conflicting classifications (1 of 4 stars). 4 submissions from 3 submitters: Uncertain significance (2); Likely benign (1). 1 of the submissions does not count toward it. Last evaluated 2026-01-23.

Conditions:
ABCB4-related disorder. Also called: ABCB4-related disorders; ABCB4-related condition.
Cholestasis, intrahepatic, of pregnancy, 3. Identifiers: Orphanet 69665, MedGen C3554241, MONDO:0013995, OMIM 614972.
Progressive familial intrahepatic cholestasis type 3. Also called: MDR3 DEFICIENCY; Low Gamma-GT Familial Intrahepatic Cholestasis. Identifiers: Orphanet 79305, MedGen C1865643, MONDO:0011214, OMIM 602347.

Allele frequency attached by ClinVar (database versions not stated): gnomAD 0.00001; TOPMed 0.00001; ExAC 0.00002; gnomAD exomes 0.00002 and 0.00003; ESP Exome Variant Server 0.00015.
gnomAD v4.1: 25 of 1,613,946 alleles (0.0015%); highest among the groups gnomAD compares: Non-Finnish European, 0.00085%; no homozygotes.

Submissions (4):

Labcorp Genetics (formerly Invitae), Labcorp
Classification: Likely benign. Last evaluated: 2026-01-23. Review status: criteria provided, single submitter. Criteria: Invitae Variant Classification Sherloc (09022015). Collection method: clinical testing. Allele origin: germline.

Illumina Laboratory Services, Illumina
Classification: Uncertain significance for Progressive familial intrahepatic cholestasis type 3. Last evaluated: 2018-01-12. Review status: criteria provided, single submitter. Criteria: ICSL Variant Classification Criteria 13 December 2019. Collection method: clinical testing. Allele origin: germline.

Illumina Laboratory Services, Illumina
Classification: Uncertain significance for Cholestasis, intrahepatic, of pregnancy, 3. Last evaluated: 2018-01-12. Review status: criteria provided, single submitter. Criteria: ICSL Variant Classification Criteria 13 December 2019. Collection method: clinical testing. Allele origin: germline.

PreventionGenetics, part of Exact Sciences
Classification: Likely benign for ABCB4-related condition. Last evaluated: 2021-11-17. Review status: no assertion criteria provided. Collection method: clinical testing. Allele origin: germline. Not counted in ClinVar's aggregate classification.
Comment: This variant is classified as likely benign based on ACMG/AMP sequence variant interpretation guidelines (Richards et al. 2015 PMID: 25741868, with internal and published modifications).